The following is an entry in ClinVar:

ClinVar aggregate classification (germline): Likely pathogenic (1 of 4 stars; one submission).

Conditions:
Oculocutaneous albinism. Identifiers: Orphanet 55, MedGen C0078918, MONDO:0018910.

Submission:

Women's Health and Genetics/Laboratory Corporation of America, LabCorp
Classification: Likely pathogenic for Oculocutaneous albinism. Last evaluated: 2024-12-05. Review status: criteria provided, single submitter. Criteria: LabCorp Variant Classification Summary - May 2015. Collection method: clinical testing. Allele origin: germline.
Comment: Variant summary: TYR c.1442C>A (p.Ala481Glu) results in a non-conservative amino acid change in the encoded protein sequence. Five of five in-silico tools predict a damaging effect of the variant on protein function. The variant was absent in 251170 control chromosomes. c.1442C>A has been reported in the literature in individuals affected with Oculocutaneous Albinism (e.g, Wei_2010, Zamani_2022, Michaud_2022). These data indicate that the variant is likely to be associated with disease. To our knowledge, no experimental evidence demonstrating an impact on protein function has been reported. The following publications have been ascertained in the context of this evaluation (PMID: 19865097, 35754085, 35803923). No submitters have cited clinical-significance assessments for this variant to ClinVar. Based on the evidence outlined above, the variant was classified as likely pathogenic.

Literature cited by the submitters: PubMed 35803923; PubMed 19865097; PubMed 35754085.

NM_000372.5(TYR):c.1442C>A (p.Ala481Glu)

Gene: TYR (tyrosinase; plus strand). Cytogenetic location: 11q14.3.
Variant type: single nucleotide variant.
Coding change: c.1442C>A on transcript NM_000372.5 (MANE Select); coding-DNA position 1442, C replaced by A.
Protein change: p.Ala481Glu; replaces alanine 481 with glutamic acid.
Molecular consequence: missense variant.
Genome position (GRCh38, 1-based): chr11:89,295,218, C>A. VCF-style: chr11-89295218-C-A. GRCh37 (hg19) VCF-style: chr11-89028386-C-A.
Other names: short protein forms A481E.
Identifiers: ClinVar variation 3768245 (VCV003768245.1).